The following is an entry in ClinVar:

NM_002291.3(LAMB1):c.1068C>T (p.Asn356=)

Gene: LAMB1 (laminin subunit beta 1; minus strand). Cytogenetic location: 7q31.1.
Variant type: single nucleotide variant.
Coding change: c.1068C>T on transcript NM_002291.3 (MANE Select); coding-DNA position 1068, C replaced by T.
Protein change: p.Asn356=; no amino-acid change (asparagine 356 retained).
Molecular consequence: synonymous variant.
Genome position (GRCh38, 1-based): chr7:107,975,810, G>A on the plus strand (C>T on the coding strand, the complement: LAMB1 is on the minus strand). VCF-style: chr7-107975810-G-A. GRCh37 (hg19) VCF-style: chr7-107616255-G-A.
Identifiers: ClinVar variation 750296 (VCV000750296.34), dbSNP rs34168368, ClinGen allele CA4436116.

ClinVar aggregate classification (germline): Likely benign. Review status: criteria provided, multiple submitters, no conflicts (2 of 4 stars). 4 submissions from 4 submitters: Likely benign (4). Last evaluated 2025-08-27.

Allele frequency attached by ClinVar (database versions not stated): ESP Exome Variant Server 0.00023; gnomAD exomes 0.00033 and 0.00058; gnomAD 0.00034 and 0.00038; ExAC 0.00037; TOPMed 0.00037.
gnomAD v4.1: 883 of 1,613,888 alleles (0.055%); highest among the groups gnomAD compares: Non-Finnish European, 0.071%; 2 homozygotes.

Submissions (4):

Labcorp Genetics (formerly Invitae), Labcorp
Classification: Likely benign. Last evaluated: 2025-08-27. Review status: criteria provided, single submitter. Criteria: Invitae Variant Classification Sherloc (09022015). Collection method: clinical testing. Allele origin: germline.

Blueprint Genetics
Classification: Likely benign. Last evaluated: 2024-10-22. Review status: criteria provided, single submitter. Criteria: ACMG Guidelines, 2015. Collection method: clinical testing. Allele origin: germline.

CeGaT Center for Human Genetics Tuebingen
Classification: Likely benign. Last evaluated: 2023-12-01. Review status: criteria provided, single submitter. Criteria: CeGaT Center For Human Genetics Tuebingen Variant Classification Criteria Version 2. Collection method: clinical testing. Allele origin: germline. Affected: yes. Observed: 1 variant allele.
Comment: LAMB1: BP4, BP7

GeneDx
Classification: Likely benign. Last evaluated: 2020-03-18. Review status: criteria provided, single submitter. Criteria: GeneDx Variant Classification Process June 2021. Collection method: clinical testing. Allele origin: germline. Affected: yes.